The following is an entry in ClinVar:

NM_001211.6(BUB1B):c.2027G>T (p.Ser676Ile)

Gene: BUB1B (BUB1 mitotic checkpoint serine/threonine kinase B; plus strand). Cytogenetic location: 15q15.1.
Variant type: single nucleotide variant.
Coding change: c.2027G>T on transcript NM_001211.6 (MANE Select); coding-DNA position 2027, G replaced by T.
Protein change: p.Ser676Ile; replaces serine 676 with isoleucine.
Molecular consequence: missense variant.
Genome position (GRCh38, 1-based): chr15:40,208,654, G>T. VCF-style: chr15-40208654-G-T. GRCh37 (hg19) VCF-style: chr15-40500855-G-T.
Other names: short protein forms S676I.
Identifiers: ClinVar variation 1784673 (VCV001784673.2), dbSNP rs2542569394, ClinGen allele CA391693308.

ClinVar aggregate classification (germline): Uncertain significance (1 of 4 stars; one submission).

Conditions:
Inborn genetic diseases. Identifiers: MedGen C0950123, MeSH D030342.

Allele frequency attached by ClinVar (database versions not stated): gnomAD exomes below 0.00001.
gnomAD v4.1: 1 of 1,613,782 alleles (0.000062%); highest among the groups gnomAD compares: Non-Finnish European, 0.000085%; no homozygotes.

Submission:

Ambry Genetics
Classification: Uncertain significance for Inborn genetic diseases. Last evaluated: 2021-10-15. Review status: criteria provided, single submitter. Criteria: Ambry Variant Classification Scheme 2023. Collection method: clinical testing. Allele origin: germline.
Comment: The p.S676I variant (also known as c.2027G>T), located in coding exon 16 of the BUB1B gene, results from a G to T substitution at nucleotide position 2027. The serine at codon 676 is replaced by isoleucine, an amino acid with dissimilar properties. This amino acid position is conserved. In addition, the in silico prediction for this alteration is inconclusive. Since supporting evidence is limited at this time, the clinical significance of this alteration remains unclear.